The following is an entry in ClinVar:

NM_001206927.2(DNAH8):c.9083C>T (p.Thr3028Met)

Gene: DNAH8 (dynein axonemal heavy chain 8; plus strand). Cytogenetic location: 6p21.2.
Variant type: single nucleotide variant.
Coding change: c.9083C>T on transcript NM_001206927.2 (MANE Select); coding-DNA position 9083, C replaced by T.
Protein change: p.Thr3028Met; replaces threonine 3028 with methionine.
Molecular consequence: missense variant.
Genome position (GRCh38, 1-based): chr6:38,899,795, C>T. VCF-style: chr6-38899795-C-T. GRCh37 (hg19) VCF-style: chr6-38867571-C-T.
Other names: c.8432C>T, p.Thr2811Met (NM_001371.4); short protein forms T2811M, T3028M.
Identifiers: ClinVar variation 3627192 (VCV003627192.2).
Genomic context (GRCh38, chr6:38,899,795, plus strand): 5'-CATTCTTTTTTCAAATAAGCACGTTTTAAATCTCAAAACAGATTTCACGAATAATTCGAA[C>T]GTCGTGTGGAAATGCATTGCTGGTGGGTGTTGGTGGTTCCGGAAAACAAAGTCTTTCAAG-3'
Protein context (NP_001193856.1, residues 3018-3038): HLIKISRIIR[Thr3028Met]SCGNALLVGV

ClinVar aggregate classification (germline): Uncertain significance (1 of 4 stars; one submission).

Conditions:
Primary ciliary dyskinesia. Also called: Ciliary dyskinesia. Identifiers: Orphanet 244, MedGen C0008780, MONDO:0016575, HP:0012265.

gnomAD v4.1: 34 of 1,613,394 alleles (0.0021%); highest among the groups gnomAD compares: East Asian, 0.0045%; no homozygotes.

Submission:

Labcorp Genetics (formerly Invitae), Labcorp
Classification: Uncertain significance for Primary ciliary dyskinesia. Last evaluated: 2024-03-07. Review status: criteria provided, single submitter. Criteria: Invitae Variant Classification Sherloc (09022015). Collection method: clinical testing. Allele origin: germline.
Comment: This sequence change replaces threonine, which is neutral and polar, with methionine, which is neutral and non-polar, at codon 3028 of the DNAH8 protein (p.Thr3028Met). This variant is present in population databases (rs568885985, gnomAD 0.004%). This variant has not been reported in the literature in individuals affected with DNAH8-related conditions. Advanced modeling of protein sequence and biophysical properties (such as structural, functional, and spatial information, amino acid conservation, physicochemical variation, residue mobility, and thermodynamic stability) performed at Invitae indicates that this missense variant is not expected to disrupt DNAH8 protein function with a negative predictive value of 80%. In summary, the available evidence is currently insufficient to determine the role of this variant in disease. Therefore, it has been classified as a Variant of Uncertain Significance.